The following is an entry in ClinVar:

ClinVar aggregate classification (germline): Conflicting classifications of pathogenicity. Review status: criteria provided, conflicting classifications (1 of 4 stars). 2 submissions from 2 submitters: Uncertain significance (1); Likely benign (1). Last evaluated 2025-12-13.

Conditions:
Oto-palato-digital syndrome, type II (OPD2). Also called: Otopalatodigital Syndrome, Type II; FACIOPALATOOSSEOUS SYNDROME; OPD II SYNDROME; Otopalatodigital Syndrome Type 2 (FLNA-OPD2). Identifiers: Orphanet 669, Orphanet 90652, MedGen C1844696, MONDO:0010571, OMIM 304120.
Frontometaphyseal dysplasia (FMD1). Identifiers: Orphanet 1826, MedGen C0265293, MONDO:0015942.
Heterotopia, periventricular, X-linked dominant (PVNH1). Also called: PERIVENTRICULAR NODULAR HETEROTOPIA 1; X-linked periventricular heterotopia; PERIVENTRICULAR NODULAR HETEROTOPIA 4; HETEROTOPIA, PERIVENTRICULAR, 1. Identifiers: Orphanet 2149, Orphanet 82004, MedGen C1848213, MONDO:0010233, OMIM 300049.
Melnick-Needles syndrome (MNS). Also called: MELNICK-NEEDLES OSTEODYSPLASTY; OSTEODYSPLASTY OF MELNICK AND NEEDLES; Melnick-Needles Syndrome (FLNA-MNS). Identifiers: Orphanet 2484, MedGen C0025237, MONDO:0010650, OMIM 309350.

Allele frequency attached by ClinVar (database versions not stated): gnomAD exomes 0.00003 and 0.00001; TOPMed 0.00003; gnomAD 0.00005; ExAC 0.00003.
gnomAD v4.1: 20 of 1,209,983 alleles (0.0017%); highest among the groups gnomAD compares: South Asian, 0.0035%; no homozygotes.

Submissions (2):

Labcorp Genetics (formerly Invitae), Labcorp
Classification: Likely benign for Oto-palato-digital syndrome, type II; Heterotopia, periventricular, X-linked dominant; Frontometaphyseal dysplasia; Melnick-Needles syndrome. Last evaluated: 2025-12-13. Review status: criteria provided, single submitter. Criteria: Invitae Variant Classification Sherloc (09022015). Collection method: clinical testing. Allele origin: germline.

GeneDx
Classification: Uncertain significance. Last evaluated: 2023-01-13. Review status: criteria provided, single submitter. Criteria: GeneDx Variant Classification Process June 2021. Collection method: clinical testing. Allele origin: germline. Affected: yes.
Comment: In silico analysis supports that this missense variant has a deleterious effect on protein structure/function; Has not been previously published as pathogenic or benign to our knowledge

NM_001110556.2(FLNA):c.6218G>A (p.Arg2073His)

Gene: FLNA (filamin A; minus strand). Cytogenetic location: Xq28.
Variant type: single nucleotide variant.
Coding change: c.6218G>A on transcript NM_001110556.2 (MANE Select); coding-DNA position 6218, G replaced by A.
Protein change: p.Arg2073His; replaces arginine 2073 with histidine.
Molecular consequence: missense variant.
Genome position (GRCh38, 1-based): chrX:154,353,009, C>T on the plus strand (G>A on the coding strand, the complement: FLNA is on the minus strand). VCF-style: chrX-154353009-C-T. GRCh37 (hg19) VCF-style: chrX-153581377-C-T.
Other names: c.6194G>A, p.Arg2065His (NM_001456.4); short protein forms R2073H.
Identifiers: ClinVar variation 213470 (VCV000213470.12), dbSNP rs781956012, ClinGen allele CA323761.
Genomic context (GRCh38, chrX:154,353,009, plus strand): 5'-TCGGTGCTATGCACAGTGCTCCCGCCCCAGCTGGTGGGCAGCCACTGCCTACCTGCATCG[C>T]GGGTATCAATGATAAACTCTGCAGGCTCAAAGGTGTGGCCTTCGTGAAGGCCCTGACCAG-3'
Protein context (NP_001104026.1, residues 2063-2083): FEPAEFIIDT[Arg2073His]DAGYGGLSLS